The following is an entry in ClinVar:

ClinVar aggregate classification (germline): Likely benign (0 of 4 stars; one submission).

Conditions:
NIPAL3-related disorder. Also called: NIPAL3-related condition.

Allele frequency attached by ClinVar (database versions not stated): 1000 Genomes Project 30x 0.00031; ESP Exome Variant Server 0.00031; 1000 Genomes Project 0.00040; gnomAD 0.00051; TOPMed 0.00058; gnomAD exomes 0.00063; ExAC 0.00079.
gnomAD v4.1: 999 of 1,614,158 alleles (0.062%); highest among the groups gnomAD compares: Middle Eastern, 0.15%; 2 homozygotes.

Submission:

PreventionGenetics, part of Exact Sciences
Classification: Likely benign for NIPAL3-related condition. Last evaluated: 2019-06-12. Review status: no assertion criteria provided. Collection method: clinical testing. Allele origin: germline.
Comment: This variant is classified as likely benign based on ACMG/AMP sequence variant interpretation guidelines (Richards et al. 2015 PMID: 25741868, with internal and published modifications).

NM_020448.5(NIPAL3):c.1164C>T (p.Gly388=)

Gene: NIPAL3 (NIPA like domain containing 3; plus strand). Cytogenetic location: 1p36.11.
Variant type: single nucleotide variant.
Coding change: c.1164C>T on transcript NM_020448.5 (MANE Select); coding-DNA position 1164, C replaced by T.
Protein change: p.Gly388=; no amino-acid change (glycine 388 retained).
Molecular consequence: synonymous variant. On other transcripts: non-coding transcript variant (3).
Genome position (GRCh38, 1-based): chr1:24,469,128, C>T. VCF-style: chr1-24469128-C-T. GRCh37 (hg19) VCF-style: chr1-24795618-C-T.
Other names: c.1164C>T, p.Gly388= (NM_001322854.2, NM_001322855.2, NM_001322856.2 and 1 more transcripts); c.681C>T, p.Gly227= (NM_001322858.2, NM_001322859.2, NM_001322860.2 and 1 more transcripts); c.918C>T, p.Gly306= (NM_001322862.2, NM_001322863.2); c.1161C>T, p.Gly387= (NM_001322864.2); c.1137C>T, p.Gly379= (NM_001322866.2); c.1011C>T, p.Gly337= (NM_001322868.2).
Identifiers: ClinVar variation 3033440 (VCV003033440.2), dbSNP rs147661477, ClinGen allele CA691322.
Genomic context (GRCh38, chr1:24,469,128, plus strand): 5'-TGACAACATTTCTGAGATCTACGCTCCTGCCACCCTGCCAGTCATGCAAGAAGAGCACGG[C>T]TCCAGAAGTGCCTCTGGGGTCCCCTACCGAGTCCTAGAGCACACCAAGAAGGAATGAGAC-3'
Protein context (NP_065181.1, residues 378-398): ATLPVMQEEH[Gly388=]SRSASGVPYR